The following is an entry in ClinVar:

ClinVar aggregate classification (germline): Pathogenic. Review status: criteria provided, multiple submitters, no conflicts (2 of 4 stars). 2 submissions from 2 submitters: Pathogenic (2). Last evaluated 2025-02-12.

Conditions:
Familial adenomatous polyposis 4 (FAP4). Also called: MSH3-related attenuated familial adenomatous polyposis. Identifiers: Orphanet 480536, MedGen C4310719, MONDO:0044300, OMIM 617100.

Submissions (2):

Labcorp Genetics (formerly Invitae), Labcorp
Classification: Pathogenic. Last evaluated: 2025-02-12. Review status: criteria provided, single submitter. Criteria: Invitae Variant Classification Sherloc (09022015). Collection method: clinical testing. Allele origin: germline.
Comment: This sequence change creates a premature translational stop signal (p.Phe513Serfs*23) in the MSH3 gene. It is expected to result in an absent or disrupted protein product. Loss-of-function variants in MSH3 are known to be pathogenic (PMID: 27476653, 37402566). This variant is present in population databases (rs771439854, gnomAD 0.003%). This variant has not been reported in the literature in individuals affected with MSH3-related conditions. ClinVar contains an entry for this variant (Variation ID: 2673573). For these reasons, this variant has been classified as Pathogenic.

Myriad Genetics, Inc.
Classification: Pathogenic for Familial adenomatous polyposis 4. Last evaluated: 2023-09-26. Review status: criteria provided, single submitter. Criteria: Myriad Autosomal Dominant, Autosomal Recessive and X-Linked Classification Criteria (2023). Collection method: clinical testing. Allele origin: unknown.
Comment: This variant is considered pathogenic. This variant creates a frameshift predicted to result in premature protein truncation.

Literature cited by the submitters: PubMed 27476653 (cited by Labcorp Genetics (formerly Invitae), Labcorp); PubMed 37402566 (cited by Labcorp Genetics (formerly Invitae), Labcorp).

NM_002439.5(MSH3):c.1538del (p.Phe513fs)

Gene: MSH3 (mutS homolog 3; plus strand). Cytogenetic location: 5q14.1.
Variant type: Deletion.
Coding change: c.1538del on transcript NM_002439.5 (MANE Select); coding-DNA position 1538, one base deleted (T; older notation c.1538delT).
Protein change: p.Phe513fs; shifts the reading frame from phenylalanine 513.
Molecular consequence: frameshift variant.
Genome position (GRCh38, 1-based): chr5:80,728,935, T deleted; the last of 2 consecutive T bases (chr5:80,728,934-80,728,935); deleting either gives the same sequence. VCF-style (leftmost placement, unchanged base first): chr5-80728933-AT-A. GRCh37 (hg19) VCF-style: chr5-80024752-AT-A.
Other names: short protein forms F513fs.
Identifiers: ClinVar variation 2673573 (VCV002673573.2), dbSNP rs771439854, ClinGen allele CA3327949.